The following is an entry in ClinVar:

NM_175914.5(HNF4A):c.454G>A (p.Gly152Ser)

Gene: HNF4A (hepatocyte nuclear factor 4 alpha; plus strand). Cytogenetic location: 20q13.12.
Variant type: single nucleotide variant.
Coding change: c.454G>A on transcript NM_175914.5 (MANE Select); coding-DNA position 454, G replaced by A.
Protein change: p.Gly152Ser; replaces glycine 152 with serine.
Molecular consequence: missense variant.
Genome position (GRCh38, 1-based): chr20:44,414,534, G>A. VCF-style: chr20-44414534-G-A. GRCh37 (hg19) VCF-style: chr20-43043174-G-A.
Other names: NM_175914.5(HNF4A):c.454G>A; p.Gly152Ser; c.520G>A, p.Gly174Ser (NM_000457.6, NM_178849.3, NM_178850.3); c.445G>A, p.Gly149Ser (NM_001287183.2, NM_001287182.2, NM_001287184.2); c.454G>A, p.Gly152Ser (NM_001030004.3, NM_001030003.3); c.499G>A, p.Gly167Ser (NM_001258355.2); short protein forms G149S, G152S, G174S, G167S.
Identifiers: ClinVar variation 549554 (VCV000549554.5), dbSNP rs760038979, ClinGen allele CA9870282.
Genomic context (GRCh38, chr20:44,414,534, plus strand): 5'-TCTCCAGCATTTTCTTCCCTGTATCTCTCGAAGATCACCTCCCCCGTCTCCGGGATCAAC[G>A]GCGACATTCGGGCGAAGAAGATTGCCAGCATCGCAGATGTGTGTGAGTCCATGAAGGAGC-3'
Protein context (NP_787110.2, residues 142-162): QITSPVSGIN[Gly152Ser]DIRAKKIASI

ClinVar aggregate classification (germline): Uncertain significance. Review status: reviewed by expert panel (3 of 4 stars). 3 submissions from 3 submitters: Uncertain significance (1). 2 of the submissions do not count toward it. Last evaluated 2024-05-09.

Conditions:
Monogenic diabetes. Identifiers: Orphanet 183625, MedGen C3888631, MONDO:0015967.
Maturity-onset diabetes of the young (MODY). Also called: Maturity onset diabetes mellitus in young. Identifiers: Orphanet 552, MedGen C0342276, MONDO:0018911, HP:0004904.

Allele frequency attached by ClinVar (database versions not stated): gnomAD exomes 0.00001; ExAC 0.00002.
gnomAD v4.1: 25 of 1,614,204 alleles (0.0015%); highest among the groups gnomAD compares: East Asian, 0.0045%; no homozygotes.

Submissions (3):

ClinGen Monogenic Diabetes Variant Curation Expert Panel
Classification: Uncertain significance for Monogenic diabetes. Last evaluated: 2024-05-09. Review status: reviewed by expert panel. Criteria: ClinGen Diabetes ACMG Specifications HNF4A V2.0.0. Collection method: curation. Allele origin: germline. Inheritance: Autosomal dominant inheritance.
Comment: The c.454G>A variant in the hepatocyte nuclear factor 4-alpha gene, HNF4A, causes an amino acid change of glycine to serine at codon 152 (p.(Gly152Ser)) of NM_175914.5. This variant has a gnomAD v2.1.1 Grpmax filtering allele frequency of 0.00000292 (below the MDEP threshold of 0.000003) and <=2 copies observed in the European non-Finnish population and <=1 copies in any other subpopulation, thereby meeting the ClinGen MDEP criteria for PM2_Supporting (PM2_Supporting). Additionally, this variant has a REVEL score of 0.232, which is between the ClinGen MDEP thresholds for BP4 and PP3, predicting neither a damaging nor benign impact on HNF4A function. In summary, c.454G>A meets the criteria to be classified as a variant of uncertain significance for monogenic diabetes. ACMG/AMP criteria applied, as specified by the ClinGen MDEP (specification version 2.0.0, approved 10/11/2023): PM2_Supporting.

Personalized Diabetes Medicine Program, University of Maryland School of Medicine
Classification: Uncertain significance for Monogenic diabetes. Last evaluated: 2017-08-18. Review status: criteria provided, single submitter. Criteria: ACMG Guidelines, 2015. Collection method: research. Allele origin: unknown. Observed: 1 variant allele, 1 heterozygote. Study: Personalized Diabetes Medicine Program. Not counted in ClinVar's aggregate classification.
Comment: ACMG Criteria:PP3 (5 predictors), BP4 (6 predictors)

Clinical Genomics, Uppaluri K&H Personalized Medicine Clinic
Classification: Uncertain risk allele for Maturity-onset diabetes of the young. Review status: criteria provided, single submitter. Criteria: K & H Uppaluri Personalized Medicine Clinic Variant Classification & Assertion Criteria_Updated V.1. Collection method: research. Allele origin: unknown. Inheritance: Autosomal dominant inheritance. Not counted in ClinVar's aggregate classification.
Comment: Potent mutations in HNF4A are associated with poor insulin secretion in response to hyperglycemia. Associated with MODY1. Patients initially respond well to sulfonylureas but eventually become insulin dependent. However, more evidence is required to ascertain the role of this particular variant rs760038979 in MODY, yet.

Literature cited by the submitters: PubMed 18268044 (cited by Clinical Genomics, Uppaluri K&H Personalized Medicine Clinic); PubMed 17563455 (cited by Clinical Genomics, Uppaluri K&H Personalized Medicine Clinic); PubMed 32583173 (cited by Clinical Genomics, Uppaluri K&H Personalized Medicine Clinic); PubMed 35052457 (cited by Clinical Genomics, Uppaluri K&H Personalized Medicine Clinic); PubMed 35118593 (cited by Clinical Genomics, Uppaluri K&H Personalized Medicine Clinic); DOI 10.1159/000334532 (cited by Clinical Genomics, Uppaluri K&H Personalized Medicine Clinic).